The following is an entry in ClinVar:

NM_014625.4(NPHS2):c.-52C>G

Gene: NPHS2 (NPHS2 stomatin family member, podocin; minus strand). Cytogenetic location: 1q25.2.
Variant type: single nucleotide variant.
Coding change: c.-52C>G on transcript NM_014625.4 (MANE Select); 52 bases upstream of the start codon, C replaced by G.
Molecular consequence: 5 prime UTR variant.
Genome position (GRCh38, 1-based): chr1:179,575,916, G>C on the plus strand (C>G on the coding strand, the complement: NPHS2 is on the minus strand). VCF-style: chr1-179575916-G-C. GRCh37 (hg19) VCF-style: chr1-179545051-G-C.
Other names: c.-52C>G (NM_001297575.2).
Identifiers: ClinVar variation 242409 (VCV000242409.17), dbSNP rs78541594, ClinGen allele CA354149.

ClinVar aggregate classification (germline): Benign. Review status: criteria provided, multiple submitters, no conflicts (2 of 4 stars). 5 submissions from 5 submitters: Benign (5). Last evaluated 2024-10-21.

Conditions:
Nephrotic syndrome, type 2 (NPHS2). Also called: NEPHROTIC SYNDROME, STEROID-RESISTANT, AUTOSOMAL RECESSIVE. Identifiers: Orphanet 656, MedGen C1868672, MONDO:0010974, OMIM 600995.
Focal segmental glomerulosclerosis (FSGS). Also called: Glomerulosclerosis, focal; Focal sclerosis with hyalinosis. Identifiers: MedGen C0017668, MONDO:0100313, HP:0000097. Disease mechanism: loss of function.

Allele frequency attached by ClinVar (database versions not stated): gnomAD 0.06302 and 0.05887; TOPMed 0.06595; gnomAD exomes 0.00528 and 0.01019; ExAC 0.01864; 1000 Genomes Project 30x 0.07121; ESP Exome Variant Server 0.03046; 1000 Genomes Project 0.06510.
gnomAD v4.1: 15,648 of 1,352,906 alleles (1.2%); highest among the groups gnomAD compares: African/African-American, 20%; 1,387 homozygotes.

Submissions (5):

Labcorp Genetics (formerly Invitae), Labcorp
Classification: Benign. Last evaluated: 2024-10-21. Review status: criteria provided, single submitter. Criteria: Invitae Variant Classification Sherloc (09022015). Collection method: clinical testing. Allele origin: germline.

Genome Diagnostics Laboratory, The Hospital for Sick Children
Classification: Benign for Focal segmental glomerulosclerosis. Last evaluated: 2021-10-19. Review status: criteria provided, single submitter. Criteria: ACMG Guidelines, 2015. Collection method: clinical testing. Allele origin: germline.

GeneDx
Classification: Benign. Last evaluated: 2019-12-25. Review status: criteria provided, single submitter. Criteria: GeneDx Variant Classification Process June 2021. Collection method: clinical testing. Allele origin: germline. Affected: yes.
Comment: This variant is associated with the following publications: (PMID: 30450462, 25060053, 16572591)

Illumina Laboratory Services, Illumina
Classification: Benign for Nephrotic syndrome, type 2. Last evaluated: 2018-01-13. Review status: criteria provided, single submitter. Criteria: ICSL Variant Classification Criteria 13 December 2019. Collection method: clinical testing. Allele origin: germline.
Comment: This variant was observed in the ICSL laboratory as part of a predisposition screen in an ostensibly healthy population. It had not been previously curated by ICSL or reported in the Human Gene Mutation Database (HGMD: prior to June 1st, 2018), and was therefore a candidate for classification through an automated scoring system. Utilizing variant allele frequency, disease prevalence and penetrance estimates, and inheritance mode, an automated score was calculated to assess if this variant is too frequent to cause the disease. Based on the score and internal cut-off values, a variant classified as benign is not then subjected to further curation. The score for this variant resulted in a classification of benign for this disease.

Breakthrough Genomics
Classification: Benign. Review status: criteria provided, single submitter. Criteria: ACMG Guidelines, 2015. Collection method: not provided. Allele origin: germline. Inheritance: Autosomal recessive inheritance. Affected: yes.